The following is an entry in ClinVar:

ClinVar aggregate classification (germline): Uncertain significance (1 of 4 stars; one submission).

Conditions:
Alstrom syndrome (ALMS). Identifiers: Orphanet 64, MedGen C0268425, MONDO:0008763, OMIM 203800.

gnomAD v4.1: 3 of 1,613,934 alleles (0.00019%); highest among the groups gnomAD compares: Non-Finnish European, 0.00025%; no homozygotes.

Submission:

Labcorp Genetics (formerly Invitae), Labcorp
Classification: Uncertain significance for Alstrom syndrome. Last evaluated: 2024-07-30. Review status: criteria provided, single submitter. Criteria: Invitae Variant Classification Sherloc (09022015). Collection method: clinical testing. Allele origin: germline.
Comment: This sequence change replaces glutamine, which is neutral and polar, with glutamic acid, which is acidic and polar, at codon 1204 of the ALMS1 protein (p.Gln1204Glu). This variant is not present in population databases (gnomAD no frequency). This variant has not been reported in the literature in individuals affected with ALMS1-related conditions. An algorithm developed to predict the effect of missense changes on protein structure and function outputs the following: PolyPhen-2: "Not Available". The glutamic acid amino acid residue is found in multiple mammalian species, which suggests that this missense change does not adversely affect protein function. In summary, the available evidence is currently insufficient to determine the role of this variant in disease. Therefore, it has been classified as a Variant of Uncertain Significance.

NM_001378454.1(ALMS1):c.3607C>G (p.Gln1203Glu)

Gene: ALMS1 (ALMS1 centrosome and basal body associated protein; plus strand). Cytogenetic location: 2p13.1.
Variant type: single nucleotide variant.
Coding change: c.3607C>G on transcript NM_001378454.1 (MANE Select); coding-DNA position 3607, C replaced by G.
Protein change: p.Gln1203Glu; replaces glutamine 1203 with glutamic acid.
Molecular consequence: missense variant.
Genome position (GRCh38, 1-based): chr2:73,450,134, C>G. VCF-style: chr2-73450134-C-G. GRCh37 (hg19) VCF-style: chr2-73677261-C-G.
Other names: c.3610C>G, p.Gln1204Glu (NM_015120.4); short protein forms Q1203E, Q1204E.
Identifiers: ClinVar variation 3668520 (VCV003668520.2).